The following is an entry in ClinVar:

ClinVar aggregate classification (germline): Uncertain significance (1 of 4 stars; one submission).

Conditions:
Familial cold autoinflammatory syndrome 3 (FCAS3). Also called: FAMILIAL ATYPICAL COLD URTICARIA; ANTIBODY DEFICIENCY AND IMMUNE DYSREGULATION, PLCG2-ASSOCIATED. Identifiers: Orphanet 300359, MedGen C3280914, MONDO:0013766, OMIM 614468.

gnomAD v4.1: 2 of 1,613,922 alleles (0.00012%); highest among the groups gnomAD compares: African/African-American, 0.0027%; no homozygotes.

Submission:

Labcorp Genetics (formerly Invitae), Labcorp
Classification: Uncertain significance for Familial cold autoinflammatory syndrome 3. Last evaluated: 2024-06-21. Review status: criteria provided, single submitter. Criteria: Invitae Variant Classification Sherloc (09022015). Collection method: clinical testing. Allele origin: germline.
Comment: This sequence change replaces histidine, which is basic and polar, with glutamine, which is neutral and polar, at codon 621 of the PLCG2 protein (p.His621Gln). This variant is present in population databases (no rsID available, gnomAD 0.007%). This variant has not been reported in the literature in individuals affected with PLCG2-related conditions. An algorithm developed to predict the effect of missense changes on protein structure and function (PolyPhen-2) suggests that this variant is likely to be tolerated. In summary, the available evidence is currently insufficient to determine the role of this variant in disease. Therefore, it has been classified as a Variant of Uncertain Significance.

NM_002661.5(PLCG2):c.1863C>G (p.His621Gln)

Gene: PLCG2 (phospholipase C gamma 2; plus strand). Cytogenetic location: 16q23.3.
Variant type: single nucleotide variant.
Coding change: c.1863C>G on transcript NM_002661.5 (MANE Select); coding-DNA position 1863, C replaced by G.
Protein change: p.His621Gln; replaces histidine 621 with glutamine.
Molecular consequence: missense variant.
Genome position (GRCh38, 1-based): chr16:81,910,649, C>G. VCF-style: chr16-81910649-C-G. GRCh37 (hg19) VCF-style: chr16-81944254-C-G.
Other names: c.1863C>G, p.His621Gln (NM_001425749.1, NM_001425750.1, NM_001425751.1); short protein forms H621Q.
Identifiers: ClinVar variation 3713559 (VCV003713559.2).